The following is an entry in ClinVar:

ClinVar aggregate classification (germline): Uncertain significance (1 of 4 stars; one submission).

Allele frequency attached by ClinVar (database versions not stated): gnomAD exomes below 0.00001 and 0.00001; gnomAD 0.00001; TOPMed 0.00002.
gnomAD v4.1: 2 of 1,551,588 alleles (0.00013%); highest among the groups gnomAD compares: African/African-American, 0.0027%; no homozygotes.

Submission:

Labcorp Genetics (formerly Invitae), Labcorp
Classification: Uncertain significance. Last evaluated: 2021-11-01. Review status: criteria provided, single submitter. Criteria: Invitae Variant Classification Sherloc (09022015). Collection method: clinical testing. Allele origin: germline.
Comment: This sequence change replaces lysine, which is basic and polar, with glutamic acid, which is acidic and polar, at codon 1525 of the UNC80 protein (p.Lys1525Glu). This variant is present in population databases (no rsID available, gnomAD 0.01%). This variant has not been reported in the literature in individuals affected with UNC80-related conditions. Algorithms developed to predict the effect of missense changes on protein structure and function are either unavailable or do not agree on the potential impact of this missense change (SIFT: "Not Available"; PolyPhen-2: "Probably Damaging"; Align-GVGD: "Not Available"). In summary, the available evidence is currently insufficient to determine the role of this variant in disease. Therefore, it has been classified as a Variant of Uncertain Significance.

NM_001371986.1(UNC80):c.4771A>G (p.Lys1591Glu)

Gene: UNC80 (unc-80 homolog, NALCN channel complex subunit; plus strand). Cytogenetic location: 2q34.
Variant type: single nucleotide variant.
Coding change: c.4771A>G on transcript NM_001371986.1 (MANE Select); coding-DNA position 4771, A replaced by G.
Protein change: p.Lys1591Glu; replaces lysine 1591 with glutamic acid.
Molecular consequence: missense variant.
Genome position (GRCh38, 1-based): chr2:209,904,954, A>G. VCF-style: chr2-209904954-A-G. GRCh37 (hg19) VCF-style: chr2-210769678-A-G.
Other names: c.4573A>G, p.Lys1525Glu (NM_032504.2); c.4558A>G, p.Lys1520Glu (NM_182587.4); short protein forms K1525E, K1591E, K1520E.
Identifiers: ClinVar variation 1506648 (VCV001506648.3), dbSNP rs925932377, ClinGen allele CA65038855.